The following is an entry in ClinVar:

NM_134261.3(RORA):c.196+63645C>T

Genes: RORA (RAR related orphan receptor A; minus strand), RORA-AS1 (RORA antisense RNA 1; plus strand). Cytogenetic location: 15q22.2.
Variant type: single nucleotide variant.
Coding change: c.196+63645C>T on transcript NM_134261.3 (MANE Select); 63645 bases into the intron after coding-DNA position 196, C replaced by T.
Molecular consequence: intron variant. On other transcripts: synonymous variant (1).
Genome position (GRCh38, 1-based): chr15:60,615,012, G>A on the plus strand (C>T on the coding strand, the complement: RORA is on the minus strand). VCF-style: chr15-60615012-G-A. GRCh37 (hg19) VCF-style: chr15-60907211-G-A.
Other names: c.153C>T, p.Ser51= (NM_002943.4); c.137+12226C>T (NM_134260.3).
Identifiers: ClinVar variation 3772025 (VCV003772025.13).

ClinVar aggregate classification (germline): Likely benign (1 of 4 stars; one submission).

gnomAD v4.1: 25 of 1,612,892 alleles (0.0016%); highest among the groups gnomAD compares: Non-Finnish European, 0.002%; no homozygotes.

Submission:

CeGaT Center for Human Genetics Tuebingen
Classification: Likely benign. Last evaluated: 2024-12-01. Review status: criteria provided, single submitter. Criteria: CeGaT Center For Human Genetics Tuebingen Variant Classification Criteria Version 2. Collection method: clinical testing. Allele origin: germline. Affected: yes. Observed: 1 variant allele.
Comment: RORA: BP4, BP7